The following is an entry in ClinVar:

ClinVar aggregate classification (germline): Benign/Likely benign. Review status: criteria provided, multiple submitters, no conflicts (2 of 4 stars). 8 submissions from 7 submitters: Benign (6); Likely benign (2). Last evaluated 2026-02-01.

Conditions:
Autosomal recessive nonsyndromic hearing loss 21. Identifiers: Orphanet 90636, MedGen C1863655, MONDO:0011351, OMIM 603629.
Autosomal dominant nonsyndromic hearing loss 12. Also called: DEAFNESS, AUTOSOMAL DOMINANT 8. Identifiers: Orphanet 90635, MedGen C1832187, MONDO:0011102, OMIM 601543.

Allele frequency attached by ClinVar (database versions not stated): gnomAD exomes 0.00353 and 0.00892; ExAC 0.01078; 1000 Genomes Project 0.03255; 1000 Genomes Project 30x 0.03373; gnomAD 0.03534 and 0.03810; TOPMed 0.03858; ESP Exome Variant Server 0.03891.
gnomAD v4.1: 10,749 of 1,613,902 alleles (0.67%); highest among the groups gnomAD compares: African/African-American, 12%; 597 homozygotes.

Submissions (8):

Labcorp Genetics (formerly Invitae), Labcorp
Classification: Benign. Last evaluated: 2026-02-01. Review status: criteria provided, single submitter. Criteria: Invitae Variant Classification Sherloc (09022015). Collection method: clinical testing. Allele origin: germline.

GeneDx
Classification: Benign. Last evaluated: 2018-07-05. Review status: criteria provided, single submitter. Criteria: GeneDx Variant Classification Process June 2021. Collection method: clinical testing. Allele origin: germline. Affected: yes.

Illumina Laboratory Services, Illumina
Classification: Likely benign for Autosomal recessive nonsyndromic hearing loss 21. Last evaluated: 2018-01-13. Review status: criteria provided, single submitter. Criteria: ICSL Variant Classification Criteria 13 December 2019. Collection method: clinical testing. Allele origin: germline.
Comment: This variant was observed in the ICSL laboratory as part of a predisposition screen in an ostensibly healthy population. It had not been previously curated by ICSL or reported in the Human Gene Mutation Database (HGMD: prior to June 1st, 2018), and was therefore a candidate for classification through an automated scoring system. Utilizing variant allele frequency, disease prevalence and penetrance estimates, and inheritance mode, an automated score was calculated to assess if this variant is too frequent to cause the disease. Based on the score and internal cut-off values, a variant classified as likely benign is not then subjected to further curation. The score for this variant resulted in a classification of likely benign for this disease.

Illumina Laboratory Services, Illumina
Classification: Benign for Autosomal dominant nonsyndromic hearing loss 12. Last evaluated: 2018-01-13. Review status: criteria provided, single submitter. Criteria: ICSL Variant Classification Criteria 13 December 2019. Collection method: clinical testing. Allele origin: germline.
Comment: This variant was observed in the ICSL laboratory as part of a predisposition screen in an ostensibly healthy population. It had not been previously curated by ICSL or reported in the Human Gene Mutation Database (HGMD: prior to June 1st, 2018), and was therefore a candidate for classification through an automated scoring system. Utilizing variant allele frequency, disease prevalence and penetrance estimates, and inheritance mode, an automated score was calculated to assess if this variant is too frequent to cause the disease. Based on the score and internal cut-off values, a variant classified as benign is not then subjected to further curation. The score for this variant resulted in a classification of benign for this disease.

Eurofins Ntd Llc (ga)
Classification: Benign. Last evaluated: 2017-05-01. Review status: criteria provided, single submitter. Criteria: EGL Classification Definitions 2015. Collection method: clinical testing. Allele origin: germline. Observed: 1 variant allele, 1 heterozygote.

Laboratory for Molecular Medicine, Mass General Brigham Personalized Medicine
Classification: Benign. Last evaluated: 2012-05-07. Review status: criteria provided, single submitter. Criteria: LMM Criteria. Collection method: clinical testing. Allele origin: germline. Observed: 35 variant alleles.
Comment: 624+11C>G in Intron 04 of TECTA: This variant is not expected to have clinical s ignificance because it is not located within the conserved splice consensus sequ ence and has been identified in 11.5% (430/3738) of African American chromosomes from a broad population by the NHLBI Exome Sequencing Project (dbSNP rs73599492).

Breakthrough Genomics
Classification: Likely benign. Review status: criteria provided, single submitter. Criteria: ACMG Guidelines, 2015. Collection method: not provided. Allele origin: germline. Inheritance: Autosomal recessive inheritance. Affected: yes.

PreventionGenetics, part of Exact Sciences
Classification: Benign. Review status: criteria provided, single submitter. Criteria: ACMG Guidelines, 2015. Collection method: clinical testing. Allele origin: germline.

NM_005422.4(TECTA):c.624+11C>G

Genes: TECTA (tectorin alpha; plus strand), TBCEL-TECTA (TBCEL-TECTA readthrough; plus strand). Cytogenetic location: 11q23.3.
Variant type: single nucleotide variant.
Coding change: c.624+11C>G on transcript NM_005422.4 (MANE Select); 11 bases into the intron after coding-DNA position 624, C replaced by G.
Molecular consequence: intron variant.
Genome position (GRCh38, 1-based): chr11:121,113,220, C>G. VCF-style: chr11-121113220-C-G. GRCh37 (hg19) VCF-style: chr11-120983929-C-G.
Other names: c.1581+11C>G (NM_001378761.1).
Identifiers: ClinVar variation 45341 (VCV000045341.24), dbSNP rs73599492, ClinGen allele CA136071.